The following is an entry in ClinVar:

ClinVar aggregate classification (germline): Pathogenic (1 of 4 stars; one submission).

Conditions:
Familial thoracic aortic aneurysm and aortic dissection (TAAD). Also called: Thoracic aortic aneurysms and dissections. Identifiers: Orphanet 91387, MedGen C4707243, MONDO:0019625.
Marfan syndrome (MFS). Also called: Marfan syndrome type 1; Marfan's syndrome; Marfan syndrome, classic; MARFAN SYNDROME, TYPE I; FBN1-Related Marfan Syndrome. Identifiers: Orphanet 284963, Orphanet 558, MedGen C0024796, MONDO:0007947, OMIM 154700.

Submission:

Labcorp Genetics (formerly Invitae), Labcorp
Classification: Pathogenic for Marfan syndrome; Familial thoracic aortic aneurysm and aortic dissection. Last evaluated: 2020-02-26. Review status: criteria provided, single submitter. Criteria: Invitae Variant Classification Sherloc (09022015). Collection method: clinical testing. Allele origin: germline.
Comment: This variant affects a cysteine residue in the EGF-like, TGFBP or hybrid motif domains of FBN1. Cysteine residues are believed to be involved in intramolecular disulfide bridges and have been shown to be important for FBN1 protein structure (PMID: 16905551, 19349279). In addition, missense substitutions affecting cysteine residues within these domains are significantly overrepresented among patients with Marfan syndrome (PMID: 16571647, 17701892). This sequence change replaces cysteine with glycine at codon 1485 of the FBN1 protein (p.Cys1485Gly). The cysteine residue is highly conserved and there is a large physicochemical difference between cysteine and glycine. This variant is not present in population databases (ExAC no frequency). This variant has been observed in individual(s) with clinical features of Marfan syndrome (PMID: 24078565). This variant disrupts the p.Cys1485 amino acid residue in FBN1. Other variant(s) that disrupt this residue have been observed in individuals with FBN1-related conditions (PMID: 28855619, 17657824, Invitae), which suggests that this may be a clinically significant amino acid residue. For these reasons, this variant has been classified as Pathogenic.

Literature cited by the submitters: PubMed 16905551; PubMed 19349279; PubMed 16571647; PubMed 17701892; PubMed 24078565; PubMed 28855619; PubMed 17657824.

NM_000138.5(FBN1):c.4453T>G (p.Cys1485Gly)

Gene: FBN1 (fibrillin 1; minus strand). Cytogenetic location: 15q21.1.
Variant type: single nucleotide variant.
Coding change: c.4453T>G on transcript NM_000138.5 (MANE Select); coding-DNA position 4453, T replaced by G.
Protein change: p.Cys1485Gly; replaces cysteine 1485 with glycine.
Molecular consequence: missense variant.
Genome position (GRCh38, 1-based): chr15:48,470,640, A>C on the plus strand (T>G on the coding strand, the complement: FBN1 is on the minus strand). VCF-style: chr15-48470640-A-C. GRCh37 (hg19) VCF-style: chr15-48762837-A-C.
Other names: short protein forms C1485G.
Identifiers: ClinVar variation 1071752 (VCV001071752.9), dbSNP rs730880101, ClinGen allele CA392354259.
Genomic context (GRCh38, chr15:48,470,640, plus strand): 5'-GCTGGGTCCCCCGGGACACCAGGGAGCTGATTTTGATGCCAGTGGAGGTCTTACCTGTGC[A>C]GTTCCCGCCGCTTCTGTCCAGTTCGTAGCCTATCTCACACTCACAGCGGAACAGGCCAGG-3'
Protein context (NP_000129.3, residues 1475-1495): GYELDRSGGN[Cys1485Gly]TDVNECLDPT